The following is an entry in ClinVar:

NM_000138.5(FBN1):c.7161del (p.Lys2388fs)

Gene: FBN1 (fibrillin 1; minus strand). Cytogenetic location: 15q21.1.
Variant type: Deletion.
Coding change: c.7161del on transcript NM_000138.5 (MANE Select); coding-DNA position 7161, one base deleted (G; older notation c.7161delG).
Protein change: p.Lys2388fs; shifts the reading frame from lysine 2388.
Molecular consequence: frameshift variant.
Genome position (GRCh38, 1-based): chr15:48,427,610, C deleted on the plus strand (G on the coding strand, the reverse complement: FBN1 is on the minus strand). VCF-style (leftmost placement, unchanged base first): chr15-48427609-TC-T. GRCh37 (hg19) VCF-style: chr15-48719806-TC-T.
Other names: c.7161delG, p.Lys2388Asnfs (NM_001406716.1); short protein forms K2388fs.
Identifiers: ClinVar variation 1757444 (VCV001757444.2), dbSNP rs2505412101, ClinGen allele CA2580089670.
Genomic context (GRCh38, chr15:48,427,609, plus strand): 5'-GGACTATAAATGAAGTACCTGCTCCATTGGTCATGAATCCTCGGCCATGGGGACAGAGTT[TC>T]TTGAAAGCCACAGTCCCCTGGAAAGGGCAGATCTCACAGTGGGGACCCCAGCCTCTCCCT-3'

ClinVar aggregate classification (germline): Pathogenic (1 of 4 stars; one submission).

Conditions:
Familial thoracic aortic aneurysm and aortic dissection (TAAD). Also called: Thoracic aortic aneurysms and dissections. Identifiers: Orphanet 91387, MedGen C4707243, MONDO:0019625.

Submission:

Ambry Genetics
Classification: Pathogenic for Familial thoracic aortic aneurysm and aortic dissection. Last evaluated: 2021-06-04. Review status: criteria provided, single submitter. Criteria: Ambry Variant Classification Scheme 2023. Collection method: clinical testing. Allele origin: germline.
Comment: The c.7161delG pathogenic mutation, located in coding exon 57 of the FBN1 gene, results from a deletion of one nucleotide at nucleotide position 7161, causing a translational frameshift with a predicted alternate stop codon (p.K2388Nfs*10). This alteration is expected to result in loss of function by premature protein truncation or nonsense-mediated mRNA decay. As such, this alteration is interpreted as a disease-causing mutation.